The following is an entry in ClinVar:

NM_006269.2(RP1):c.3406C>G (p.Leu1136Val)

Gene: RP1 (RP1 axonemal microtubule associated; plus strand). Cytogenetic location: 8q12.1.
Variant type: single nucleotide variant.
Coding change: c.3406C>G on transcript NM_006269.2 (MANE Select); coding-DNA position 3406, C replaced by G.
Protein change: p.Leu1136Val; replaces leucine 1136 with valine.
Molecular consequence: missense variant. On other transcripts: intron variant (1).
Genome position (GRCh38, 1-based): chr8:54,627,288, C>G. VCF-style: chr8-54627288-C-G. GRCh37 (hg19) VCF-style: chr8-55539848-C-G.
Other names: c.787+5000C>G (NM_001375654.1); short protein forms L1136V.
Identifiers: ClinVar variation 4761562 (VCV004761562.1).

ClinVar aggregate classification (germline): Uncertain significance (1 of 4 stars; one submission).

gnomAD v4.1: 1 of 1,614,090 alleles (0.000062%); highest among the groups gnomAD compares: Non-Finnish European, 0.000085%; no homozygotes.

Submission:

Labcorp Genetics (formerly Invitae), Labcorp
Classification: Uncertain significance. Last evaluated: 2025-04-26. Review status: criteria provided, single submitter. Criteria: Invitae Variant Classification Sherloc (09022015). Collection method: clinical testing. Allele origin: germline.
Comment: This sequence change replaces leucine, which is neutral and non-polar, with valine, which is neutral and non-polar, at codon 1136 of the RP1 protein (p.Leu1136Val). This variant is not present in population databases (gnomAD no frequency). This variant has not been reported in the literature in individuals affected with RP1-related conditions. An algorithm developed to predict the effect of missense changes on protein structure and function (PolyPhen-2) suggests that this variant is likely to be disruptive. In summary, the available evidence is currently insufficient to determine the role of this variant in disease. Therefore, it has been classified as a Variant of Uncertain Significance.